The following is an entry in ClinVar:

ClinVar aggregate classification (germline): Benign/Likely benign. Review status: criteria provided, multiple submitters, no conflicts (2 of 4 stars). 6 submissions from 6 submitters: Benign (2); Likely benign (2). 2 of the submissions do not count toward it. Last evaluated 2026-04-27.

Conditions:
Intellectual disability. Also called: intellectual disabilities; Intellectual developmental disorder; Intellectual functioning disability. Identifiers: MedGen C3714756, MeSH D008607, MONDO:0001071, HP:0001249.
AGA-related disorder. Also called: AGA-related condition.
Aspartylglucosaminuria (AGU). Also called: Aspartylglucos-aminuria; Aspartylglucos-amidase (AGA) deficiency; AGA DEFICIENCY; GLYCOASPARAGINASE; GLYCOSYLASPARAGINASE DEFICIENCY. Identifiers: Orphanet 93, MedGen C0268225, MONDO:0008830, OMIM 208400, HP:0012068.

Allele frequency attached by ClinVar (database versions not stated): gnomAD exomes 0.00011 and 0.00029; 1000 Genomes Project 0.00040; gnomAD 0.00131 and 0.00122; TOPMed 0.00139; ESP Exome Variant Server 0.00177; ExAC 0.00041; 1000 Genomes Project 30x 0.00047.
gnomAD v4.1: 344 of 1,613,972 alleles (0.021%); highest among the groups gnomAD compares: African/African-American, 0.42%; 1 homozygote.

Submissions (6):

Women's Health and Genetics/Laboratory Corporation of America, LabCorp
Classification: Likely benign. Last evaluated: 2026-04-27. Review status: criteria provided, single submitter. Criteria: LabCorp Variant Classification Summary - May 2015. Collection method: clinical testing. Allele origin: germline.
Comment: Variant summary: AGA c.10A>C (p.Lys4Gln) results in a conservative amino acid change in the encoded protein sequence. Algorithms developed to predict the effect of missense changes on protein structure and function all suggest that this variant is likely to be tolerated. The variant allele was found at a frequency of 0.00029 in 251080 control chromosomes, predominantly at a frequency of 0.0043 within the African or African-American subpopulation in the gnomAD database, including 1 homozygote. The observed variant frequency within African or African-American control individuals in the gnomAD database exceeds the estimated maximal expected allele frequency for disease-causing variants in AGA. To our knowledge, no occurrence of c.10A>C in individuals affected with AGA-related conditions and no experimental evidence demonstrating its impact on protein function have been reported. ClinVar contains an entry for this variant (Variation ID: 760805). Based on the evidence outlined above, the variant was classified as likely benign.

Labcorp Genetics (formerly Invitae), Labcorp
Classification: Benign for Aspartylglucosaminuria. Last evaluated: 2026-01-26. Review status: criteria provided, single submitter. Criteria: Invitae Variant Classification Sherloc (09022015). Collection method: clinical testing. Allele origin: germline.

PreventionGenetics, part of Exact Sciences
Classification: Likely benign for AGA-related condition. Last evaluated: 2024-12-10. Review status: criteria provided, single submitter. Criteria: ACMG Guidelines, 2015. Collection method: clinical testing. Allele origin: germline.
Comment: This variant is classified as likely benign based on ACMG/AMP sequence variant interpretation guidelines (Richards et al. 2015 PMID: 25741868, with internal and published modifications).

Breakthrough Genomics
Classification: Benign. Review status: criteria provided, single submitter. Criteria: ACMG Guidelines, 2015. Collection method: not provided. Allele origin: germline. Inheritance: Autosomal recessive inheritance. Affected: yes.

Natera, Inc.
Classification: Likely benign for Aspartylglucosaminuria. Last evaluated: 2019-11-11. Review status: no assertion criteria provided. Collection method: clinical testing. Allele origin: germline. Not counted in ClinVar's aggregate classification.

Centre de Biologie Pathologie Génétique, Centre Hospitalier Universitaire de Lille
Classification: Likely benign for Intellectual disability. Last evaluated: 2019-01-01. Review status: no assertion criteria provided. Collection method: clinical testing. Allele origin: inherited. Affected: yes. Not counted in ClinVar's aggregate classification.

NM_000027.4(AGA):c.10A>C (p.Lys4Gln)

Gene: AGA (aspartylglucosaminidase; minus strand). Cytogenetic location: 4q34.3.
Variant type: single nucleotide variant.
Coding change: c.10A>C on transcript NM_000027.4 (MANE Select); coding-DNA position 10, A replaced by C.
Protein change: p.Lys4Gln; replaces lysine 4 with glutamine.
Molecular consequence: missense variant. On other transcripts: non-coding transcript variant (1).
Genome position (GRCh38, 1-based): chr4:177,442,366, T>G on the plus strand (A>C on the coding strand, the complement: AGA is on the minus strand). VCF-style: chr4-177442366-T-G. GRCh37 (hg19) VCF-style: chr4-178363520-T-G.
Other names: c.10A>C, p.Lys4Gln (NM_001171988.2); short protein forms K4Q.
Identifiers: ClinVar variation 760805 (VCV000760805.21), dbSNP rs149092606, ClinGen allele CA3147085.